The following is an entry in ClinVar:

ClinVar aggregate classification (germline): Likely benign. Review status: criteria provided, single submitter (1 of 4 stars). 2 submissions from 2 submitters: Likely benign (1). 1 of the submissions does not count toward it. Last evaluated 2024-09-27.

Conditions:
PLOD2-related disorder. Also called: PLOD2-related condition.

Allele frequency attached by ClinVar (database versions not stated): gnomAD exomes 0.00004; TOPMed 0.00009; gnomAD 0.00016.
gnomAD v4.1: 39 of 1,535,092 alleles (0.0025%); highest among the groups gnomAD compares: Admixed American, 0.063%; 1 homozygote.

Submissions (2):

Labcorp Genetics (formerly Invitae), Labcorp
Classification: Likely benign. Last evaluated: 2024-09-27. Review status: criteria provided, single submitter. Criteria: Invitae Variant Classification Sherloc (09022015). Collection method: clinical testing. Allele origin: germline.

PreventionGenetics, part of Exact Sciences
Classification: Likely benign for PLOD2-related condition. Last evaluated: 2020-05-14. Review status: no assertion criteria provided. Collection method: clinical testing. Allele origin: germline. Not counted in ClinVar's aggregate classification.
Comment: This variant is classified as likely benign based on ACMG/AMP sequence variant interpretation guidelines (Richards et al. 2015 PMID: 25741868, with internal and published modifications).

NM_182943.3(PLOD2):c.627C>T (p.Asn209=)

Gene: PLOD2 (procollagen-lysine,2-oxoglutarate 5-dioxygenase 2; minus strand). Cytogenetic location: 3q24.
Variant type: single nucleotide variant.
Coding change: c.627C>T on transcript NM_182943.3 (MANE Select); coding-DNA position 627, C replaced by T.
Protein change: p.Asn209=; no amino-acid change (asparagine 209 retained).
Molecular consequence: synonymous variant.
Genome position (GRCh38, 1-based): chr3:146,104,331, G>A on the plus strand (C>T on the coding strand, the complement: PLOD2 is on the minus strand). VCF-style: chr3-146104331-G-A. GRCh37 (hg19) VCF-style: chr3-145822118-G-A.
Other names: c.627C>T, p.Asn209= (NM_000935.3); c.627C>T (NM_182943.2).
Identifiers: ClinVar variation 1644217 (VCV001644217.10), dbSNP rs1176368109, ClinGen allele CA436185855.
Genomic context (GRCh38, chr3:146,104,331, plus strand): 5'-AAGCATACCTACAGCTCCATTTAAGGTCTGGAAAATTTTGCATTTGTGATCCAATGTGAT[G>A]TTAATAGCTTCCTAAAACATAAGAATAGAAATGATATTGAAAATGACAACAAAAACAGCA-3'
Protein context (NP_891988.1, residues 199-219): YIDPLKREAI[Asn209=]ITLDHKCKIF